The following is an entry in ClinVar:

ClinVar aggregate classification (germline): Uncertain significance (1 of 4 stars; one submission).

Conditions:
Inborn genetic diseases. Identifiers: MedGen C0950123, MeSH D030342.

Submission:

Ambry Genetics
Classification: Uncertain significance for Inborn genetic diseases. Last evaluated: 2021-11-29. Review status: criteria provided, single submitter. Criteria: Ambry Variant Classification Scheme 2023. Collection method: clinical testing. Allele origin: germline.
Comment: The p.P165T variant (also known as c.493C>A), located in coding exon 5 of the CCM2 gene, results from a C to A substitution at nucleotide position 493. The proline at codon 165 is replaced by threonine, an amino acid with highly similar properties. This amino acid position is conserved. In addition, the in silico prediction for this alteration is inconclusive. Since supporting evidence is limited at this time, the clinical significance of this alteration remains unclear.

NM_031443.4(CCM2):c.493C>A (p.Pro165Thr)

Gene: CCM2 (CCM2 scaffold protein; plus strand). Cytogenetic location: 7p13.
Variant type: single nucleotide variant.
Coding change: c.493C>A on transcript NM_031443.4 (MANE Select); coding-DNA position 493, C replaced by A.
Protein change: p.Pro165Thr; replaces proline 165 with threonine.
Molecular consequence: missense variant. On other transcripts: non-coding transcript variant (1), intron variant (1).
Genome position (GRCh38, 1-based): chr7:45,068,463, C>A. VCF-style: chr7-45068463-C-A. GRCh37 (hg19) VCF-style: chr7-45108062-C-A.
Other names: c.556C>A, p.Pro186Thr (NM_001029835.2); c.319C>A, p.Pro107Thr (NM_001167934.2, NM_001363459.2); c.493C>A, p.Pro165Thr (NM_001363458.2); c.472+3817C>A (NM_001167935.2); short protein forms P165T, P186T, P107T.
Identifiers: ClinVar variation 1744254 (VCV001744254.2), dbSNP rs2486135290, ClinGen allele CA367430238.